The following is an entry in ClinVar:

ClinVar aggregate classification (germline): Conflicting classifications of pathogenicity. Review status: criteria provided, conflicting classifications (1 of 4 stars). 5 submissions from 5 submitters: Pathogenic (2); Uncertain significance (1); Benign (1); Likely benign (1). Last evaluated 2026-08-01.

Conditions:
Mucopolysaccharidosis, MPS-IV-A (MPS4A). Also called: Morquio syndrome A, mild; MPS IVA; MORQUIO SYNDROME A; GALACTOSAMINE-6-SULFATASE DEFICIENCY; GALNS DEFICIENCY; MORQUIO A DISEASE. Identifiers: Orphanet 309297, Orphanet 582, MedGen C0086651, MONDO:0009659, OMIM 253000.

Allele frequency attached by ClinVar (database versions not stated): gnomAD exomes 0.00089 and 0.00186; ExAC 0.00193; gnomAD 0.00908 and 0.00974; 1000 Genomes Project 0.00938; TOPMed 0.01015; 1000 Genomes Project 30x 0.01093.
gnomAD v4.1: 2,688 of 1,525,340 alleles (0.18%); highest among the groups gnomAD compares: African/African-American, 3.2%; 36 homozygotes.

Submissions (5):

CeGaT Center for Human Genetics Tuebingen
Classification: Benign. Last evaluated: 2026-08-01. Review status: criteria provided, single submitter. Criteria: CeGaT Center For Human Genetics Tuebingen Variant Classification Criteria Version 2. Collection method: clinical testing. Allele origin: germline. Affected: yes. Observed: 2 variant alleles.
Comment: GALNS: PP3, BS1, BS2

Laboratory of Inherited Metabolic Diseases, Research centre for medical genetics
Classification: Pathogenic for Mucopolysaccharidosis, MPS-IV-A. Last evaluated: 2025-01-26. Review status: criteria provided, single submitter. Criteria: ACMG Guidelines, 2015. Collection method: research. Allele origin: unknown. Affected: no.
Comment: Minigene assay demonstrated insertion of a 159 bp pseudoexon.

Huiwen Zhang's lab, Shanghai Jiao Tong University School of Medicine, Xinhua Hospital
Classification: Pathogenic for Mucopolysaccharidosis, MPS-IV-A. Last evaluated: 2024-01-01. Review status: criteria provided, single submitter. Criteria: ACMG Guidelines, 2015. Collection method: clinical testing. Allele origin: germline. Affected: yes.

Laboratory of Diagnosis and Therapy of Lysosomal Disorders, University of Padova
Classification: Uncertain significance for Mucopolysaccharidosis, MPS-IV-A. Last evaluated: 2021-02-01. Review status: criteria provided, single submitter. Criteria: ACMG Guidelines, 2015. Collection method: research. Allele origin: germline. Affected: yes.
Comment: Allele frequency is greater than expected for disorder (BS1_strong)

GeneDx
Classification: Likely benign. Last evaluated: 2019-11-13. Review status: criteria provided, single submitter. Criteria: GeneDx Variant Classification Process June 2021. Collection method: clinical testing. Allele origin: germline. Affected: yes.

Literature cited by the submitters: PubMed 34387910 (cited by Laboratory of Diagnosis and Therapy of Lysosomal Disorders, University of Padova).

NM_000512.5(GALNS):c.121-210C>T

Gene: GALNS (galactosamine (N-acetyl)-6-sulfatase; minus strand). Cytogenetic location: 16q24.3.
Variant type: single nucleotide variant.
Coding change: c.121-210C>T on transcript NM_000512.5 (MANE Select); 210 bases into the intron before coding-DNA position 121, C replaced by T.
Molecular consequence: intron variant. On other transcripts: synonymous variant (1).
Genome position (GRCh38, 1-based): chr16:88,843,039, G>A on the plus strand (C>T on the coding strand, the complement: GALNS is on the minus strand). VCF-style: chr16-88843039-G-A. GRCh37 (hg19) VCF-style: chr16-88909447-G-A.
Other names: c.129C>T, p.Gly43= (NM_001323544.2); c.-311-1068C>T (NM_001323543.2).
Identifiers: ClinVar variation 1048373 (VCV001048373.30), dbSNP rs75552025, ClinGen allele CA8235306.
Genomic context (GRCh38, chr16:88,843,039, plus strand): 5'-CAGCATCGCCTGCGTGCGTGCACGATGGGGCCGCTCCACGCCAGCCCAAACCTCAGCATC[G>A]CCTGCGTGCGTGCACGATGGGGCCGCTCCACGGTCAGCCCACGCTGTCTTTCGCCTCCAC-3'